The following is an entry in ClinVar:

NM_000320.3(QDPR):c.668G>A (p.Ser223Asn)

Gene: QDPR (quinoid dihydropteridine reductase; minus strand). Cytogenetic location: 4p15.32.
Variant type: single nucleotide variant.
Coding change: c.668G>A on transcript NM_000320.3 (MANE Select); coding-DNA position 668, G replaced by A.
Protein change: p.Ser223Asn; replaces serine 223 with asparagine.
Molecular consequence: missense variant. On other transcripts: non-coding transcript variant (1).
Genome position (GRCh38, 1-based): chr4:17,487,198, C>T on the plus strand (G>A on the coding strand, the complement: QDPR is on the minus strand). VCF-style: chr4-17487198-C-T. GRCh37 (hg19) VCF-style: chr4-17488821-C-T.
Other names: c.575G>A, p.Ser192Asn (NM_001306140.2); short protein forms S223N, S192N.
Identifiers: ClinVar variation 1979688 (VCV001979688.4), dbSNP rs1166789271, ClinGen allele CA356442351.

ClinVar aggregate classification (germline): Uncertain significance (1 of 4 stars; one submission).

Conditions:
Dihydropteridine reductase deficiency (HPABH4C). Also called: BH4-Deficient Hyperphenylalaninemia C; HYPERPHENYLALANINEMIA, TETRAHYDROBIOPTERIN-DEFICIENT, DUE TO DHPR DEFICIENCY; QDPR DEFICIENCY; QUINOID DIHYDROPTERIDINE REDUCTASE DEFICIENCY; Phenylketonuria II; Hyperphenylalaninemia due to dihydropteridine reductase deficiency. Identifiers: Orphanet 226, Orphanet 238583, MedGen C0268465, MONDO:0009862, OMIM 261630.

Allele frequency attached by ClinVar (database versions not stated): gnomAD 0.00001.
gnomAD v4.1: 1 of 1,613,994 alleles (0.000062%); highest among the groups gnomAD compares: East Asian, 0.0022%; no homozygotes.

Submission:

Labcorp Genetics (formerly Invitae), Labcorp
Classification: Uncertain significance for Dihydropteridine reductase deficiency. Last evaluated: 2023-10-03. Review status: criteria provided, single submitter. Criteria: Invitae Variant Classification Sherloc (09022015). Collection method: clinical testing. Allele origin: germline.
Comment: This sequence change replaces serine, which is neutral and polar, with asparagine, which is neutral and polar, at codon 223 of the QDPR protein (p.Ser223Asn). This variant is present in population databases (no rsID available, gnomAD 0.06%). This variant has not been reported in the literature in individuals affected with QDPR-related conditions. ClinVar contains an entry for this variant (Variation ID: 1979688). Algorithms developed to predict the effect of missense changes on protein structure and function output the following: SIFT: "Not Available"; PolyPhen-2: "Benign"; Align-GVGD: "Not Available". The asparagine amino acid residue is found in multiple mammalian species, which suggests that this missense change does not adversely affect protein function. In summary, the available evidence is currently insufficient to determine the role of this variant in disease. Therefore, it has been classified as a Variant of Uncertain Significance.